The following is an entry in ClinVar:

NM_000368.5(TSC1):c.470T>C (p.Ile157Thr)

Gene: TSC1 (TSC complex subunit 1; minus strand). Cytogenetic location: 9q34.13.
Variant type: single nucleotide variant.
Coding change: c.470T>C on transcript NM_000368.5 (MANE Select); coding-DNA position 470, T replaced by C.
Protein change: p.Ile157Thr; replaces isoleucine 157 with threonine.
Molecular consequence: missense variant.
Genome position (GRCh38, 1-based): chr9:132,923,386, A>G on the plus strand (T>C on the coding strand, the complement: TSC1 is on the minus strand). VCF-style: chr9-132923386-A-G. GRCh37 (hg19) VCF-style: chr9-135798773-A-G.
Other names: c.470T>C, p.Ile157Thr (NM_001162426.2); c.317T>C, p.Ile106Thr (NM_001162427.2); c.107T>C, p.Ile36Thr (NM_001362177.2); short protein forms I106T, I157T, I36T.
Identifiers: ClinVar variation 1493752 (VCV001493752.6), dbSNP rs2132188270, ClinGen allele CA375373266.

ClinVar aggregate classification (germline): Uncertain significance (1 of 4 stars; one submission).

Conditions:
Tuberous sclerosis 1 (TSC1). Identifiers: Orphanet 805, MedGen C1854465, MONDO:0008612, OMIM 191100.

Allele frequency attached by ClinVar (database versions not stated): gnomAD exomes below 0.00001.
gnomAD v4.1: 1 of 1,614,180 alleles (0.000062%); highest among the groups gnomAD compares: Non-Finnish European, 0.000085%; no homozygotes.

Submission:

Labcorp Genetics (formerly Invitae), Labcorp
Classification: Uncertain significance for Tuberous sclerosis 1. Last evaluated: 2023-04-13. Review status: criteria provided, single submitter. Criteria: Invitae Variant Classification Sherloc (09022015). Collection method: clinical testing. Allele origin: germline.
Comment: This sequence change replaces isoleucine, which is neutral and non-polar, with threonine, which is neutral and polar, at codon 157 of the TSC1 protein (p.Ile157Thr). This variant is not present in population databases (gnomAD no frequency). This variant has not been reported in the literature in individuals affected with TSC1-related conditions. ClinVar contains an entry for this variant (Variation ID: 1493752). Advanced modeling of protein sequence and biophysical properties (such as structural, functional, and spatial information, amino acid conservation, physicochemical variation, residue mobility, and thermodynamic stability) performed at Invitae indicates that this missense variant is not expected to disrupt TSC1 protein function. In summary, the available evidence is currently insufficient to determine the role of this variant in disease. Therefore, it has been classified as a Variant of Uncertain Significance.